The following is an entry in ClinVar:

NM_003803.4(MYOM1):c.1878T>C (p.Ile626=)

Gene: MYOM1 (myomesin 1; minus strand). Cytogenetic location: 18p11.31.
Variant type: single nucleotide variant.
Coding change: c.1878T>C on transcript NM_003803.4 (MANE Select); coding-DNA position 1878, T replaced by C.
Protein change: p.Ile626=; no amino-acid change (isoleucine 626 retained).
Molecular consequence: synonymous variant.
Genome position (GRCh38, 1-based): chr18:3,149,167, A>G on the plus strand (T>C on the coding strand, the complement: MYOM1 is on the minus strand). VCF-style: chr18-3149167-A-G. GRCh37 (hg19) VCF-style: chr18-3149165-A-G.
Other names: c.1878T>C, p.Ile626= (NM_019856.2).
Identifiers: ClinVar variation 226806 (VCV000226806.21), dbSNP rs180916932, ClinGen allele CA8874820.

ClinVar aggregate classification (germline): Benign/Likely benign. Review status: criteria provided, multiple submitters, no conflicts (2 of 4 stars). 4 submissions from 4 submitters: Benign (2); Likely benign (2). Last evaluated 2026-09-02.

Conditions:
MYOM1-related disorder.
Hypertrophic cardiomyopathy. Also called: HYPERTROPHIC MYOCARDIOPATHY. Identifiers: Orphanet 217569, MedGen C0007194, MeSH D002312, MONDO:0005045, HP:0001639.

Allele frequency attached by ClinVar (database versions not stated): gnomAD exomes 0.00033 and 0.00085; ExAC 0.00102; ESP Exome Variant Server 0.00257; gnomAD 0.00311 and 0.00334; TOPMed 0.00378; 1000 Genomes Project 0.00379; 1000 Genomes Project 30x 0.00390.
gnomAD v4.1: 974 of 1,613,938 alleles (0.06%); highest among the groups gnomAD compares: African/African-American, 1.1%; 5 homozygotes.

Submissions (4):

PreventionGenetics, part of Exact Sciences
Classification: Likely benign for MYOM1-related condition. Last evaluated: 2026-09-02. Review status: criteria provided, single submitter. Criteria: ACMG Guidelines, 2015. Collection method: clinical testing. Allele origin: germline.
Comment: This variant is classified as likely benign based on ACMG/AMP sequence variant interpretation guidelines (Richards et al. 2015 PMID: 25741868, with internal and published modifications).

Labcorp Genetics (formerly Invitae), Labcorp
Classification: Benign for Hypertrophic cardiomyopathy. Last evaluated: 2026-01-27. Review status: criteria provided, single submitter. Criteria: Invitae Variant Classification Sherloc (09022015). Collection method: clinical testing. Allele origin: germline.

Ambry Genetics
Classification: Likely benign. Last evaluated: 2022-05-17. Review status: criteria provided, single submitter. Criteria: Ambry Variant Classification Scheme 2023. Collection method: clinical testing. Allele origin: germline.

Laboratory for Molecular Medicine, Mass General Brigham Personalized Medicine
Classification: Benign. Last evaluated: 2014-11-24. Review status: criteria provided, single submitter. Criteria: LMM Criteria. Collection method: clinical testing. Allele origin: germline. Observed: 1 variant allele.
Comment: Ile626Ile in exon 13 of MYOM1: This variant is not expected to have clinical sig nificance because it does not alter an amino acid residue and is not located wit hin the splice consensus sequence. It has been identified in 0.8% (33/4310) of A frican American chromosomes from a broad population by the NHLBI Exome Sequencin g Project (dbSNP rs180916932).